The following is an entry in ClinVar:

NM_004387.4(NKX2-5):c.359T>C (p.Val120Ala)

Gene: NKX2-5 (NK2 homeobox 5; minus strand). Cytogenetic location: 5q35.1.
Variant type: single nucleotide variant.
Coding change: c.359T>C on transcript NM_004387.4 (MANE Select); coding-DNA position 359, T replaced by C.
Protein change: p.Val120Ala; replaces valine 120 with alanine.
Molecular consequence: missense variant. On other transcripts: 3 prime UTR variant (2).
Genome position (GRCh38, 1-based): chr5:173,233,185, A>G on the plus strand (T>C on the coding strand, the complement: NKX2-5 is on the minus strand). VCF-style: chr5-173233185-A-G. GRCh37 (hg19) VCF-style: chr5-172660188-A-G.
Other names: c.*312T>C (NM_001166175.2); c.*158T>C (NM_001166176.2); short protein forms V120A.
Identifiers: ClinVar variation 3299923 (VCV003299923.1).

ClinVar aggregate classification (germline): Uncertain significance (1 of 4 stars; one submission).

Conditions:
Cardiovascular phenotype. Identifiers: MedGen CN230736.

Submission:

Ambry Genetics
Classification: Uncertain significance for Cardiovascular phenotype. Last evaluated: 2024-04-27. Review status: criteria provided, single submitter. Criteria: Ambry Variant Classification Scheme 2023. Collection method: clinical testing. Allele origin: germline.
Comment: The p.V120A variant (also known as c.359T>C), located in coding exon 2 of the NKX2-5 gene, results from a T to C substitution at nucleotide position 359. The valine at codon 120 is replaced by alanine, an amino acid with similar properties. This amino acid position is conserved. In addition, this alteration is predicted to be tolerated by in silico analysis. Based on the available evidence, the clinical significance of this variant remains unclear.